The following is an entry in ClinVar:

NM_001298.3(CNGA3):c.450-1G>A

Gene: CNGA3 (cyclic nucleotide gated channel subunit alpha 3; plus strand). Cytogenetic location: 2q11.2.
Variant type: single nucleotide variant.
Coding change: c.450-1G>A on transcript NM_001298.3 (MANE Select); the canonical splice acceptor site of the intron before coding-DNA position 450, G replaced by A.
Molecular consequence: splice acceptor variant.
Genome position (GRCh38, 1-based): chr2:98,389,657, G>A. VCF-style: chr2-98389657-G-A. GRCh37 (hg19) VCF-style: chr2-99006120-G-A.
Other names: c.396-1G>A (NM_001079878.2).
Identifiers: ClinVar variation 1453949 (VCV001453949.9), dbSNP rs754158805, ClinGen allele CA1793760.

ClinVar aggregate classification (germline): Pathogenic. Review status: criteria provided, multiple submitters, no conflicts (2 of 4 stars). 4 submissions from 4 submitters: Pathogenic (4). Last evaluated 2026-01-04.

Conditions:
CNGA3-related disorder. Also called: CNGA3-related condition.
Achromatopsia 2 (ACHM2). Also called: COLORBLINDNESS, TOTAL; ROD MONOCHROMACY 2; ROD MONOCHROMATISM 2. Identifiers: Orphanet 49382, MedGen C1857618, MONDO:0009003, OMIM 216900.
CNGA3-related disorders.

Allele frequency attached by ClinVar (database versions not stated): ExAC 0.00001; gnomAD exomes 0.00001 and 0.00004; gnomAD 0.00002; TOPMed 0.00002.

Submissions (4):

Labcorp Genetics (formerly Invitae), Labcorp
Classification: Pathogenic. Last evaluated: 2026-01-04. Review status: criteria provided, single submitter. Criteria: Invitae Variant Classification Sherloc (09022015). Collection method: clinical testing. Allele origin: germline.
Comment: This sequence change affects an acceptor splice site in intron 5 of the CNGA3 gene. It is expected to disrupt RNA splicing. Variants that disrupt the donor or acceptor splice site typically lead to a loss of protein function (PMID: 16199547), and loss-of-function variants in CNGA3 are known to be pathogenic (PMID: 14757870, 24903488, 25637600). This variant is present in population databases (rs754158805, gnomAD 0.003%). Disruption of this splice site has been observed in individuals with clinical features of achromatopsia (PMID: 30682209; internal data). ClinVar contains an entry for this variant (Variation ID: 1453949). Algorithms developed to predict the effect of sequence changes on RNA splicing suggest that this variant may disrupt the consensus splice site. For these reasons, this variant has been classified as Pathogenic.

Blueprint Genetics
Classification: Pathogenic for CNGA3-related disorders. Last evaluated: 2024-05-17. Review status: criteria provided, single submitter. Criteria: ACMG Guidelines, 2015. Collection method: clinical testing. Allele origin: germline. Affected: yes. Observed: 4 variant alleles.

PreventionGenetics, part of Exact Sciences
Classification: Pathogenic for CNGA3-related condition. Last evaluated: 2023-04-03. Review status: criteria provided, single submitter. Criteria: ACMG Guidelines, 2015. Collection method: clinical testing. Allele origin: germline.
Comment: The CNGA3 c.450-1G>A variant is predicted to disrupt the AG splice acceptor site and interfere with normal splicing. This variant has been reported in two patients with achromatopsia (Georgiou et al. 2019. PubMed ID: 30682209; Table S1, Scoles et al. 2014. PubMed ID: 24906859). This variant is reported in 0.0026% of alleles in individuals of European (Non-Finnish) descent in gnomAD. Variants that disrupt the consensus splice acceptor site in CNGA3 are expected to be pathogenic. This variant is interpreted as pathogenic.

Victorian Clinical Genetics Services, Murdoch Childrens Research Institute
Classification: Pathogenic for Achromatopsia 2. Last evaluated: 2022-03-31. Review status: criteria provided, single submitter. Criteria: ACMG Guidelines, 2015. Collection method: clinical testing. Allele origin: germline. Inheritance: Autosomal recessive inheritance.
Comment: Based on the classification scheme VCGS_Germline_v1.3.4, this variant is classified as Pathogenic. Following criteria are met: 0102 - Loss of function is a known mechanism of disease in this gene and is associated with achromatopsia 2 (MIM#216900). (I) 0106 - This gene is associated with autosomal recessive disease. (I) 0115 - Variants in this gene are known to have variable expressivity. Intrafamilial variability has been described within sibling pairs (PMID: 30682209). (I) 0211 - Canonical splice site variant without proven consequence on splicing (no functional evidence available). (SP) 0251 - This variant is heterozygous 0304 - Variant is present in gnomAD (v2) <0.01 for a recessive condition (3 heterozygotes, 0 homozygote). (SP) 0505 - Abnormal splicing is predicted by in silico tools and affected nucleotide is highly conserved. (SP) 0705 - No comparable canonical splice variants have previous evidence for pathogenicity. (I) 0803 - This variant has limited previous evidence of pathogenicity in an unrelated individual. This variant has been reported in a compound heterozygous individual with achromatopsia, and in another individual with achromatopsia and another pathogenic variant (phase unknown) (PMID: 30682209, PMID: 24906859, BluePrint Genetics). (SP) 0905 - No published segregation evidence has been identified for this variant. (I) 1007 - No published functional evidence has been identified for this variant. (I) 1102 - Strong phenotype match for this individual. (SP) 1201 - Heterozygous variant is assumed in trans with a second pathogenic heterozygous variant (p.(Arg427Cys)) in a recessive disease. (I) 1207 - Parental origin of the variant is unresolved. (I) Legend: (SP) - Supporting pathogenic, (I) - Information, (SB) - Supporting benign

Literature cited by the submitters: PubMed 16199547 (cited by Labcorp Genetics (formerly Invitae), Labcorp); PubMed 14757870 (cited by Labcorp Genetics (formerly Invitae), Labcorp); PubMed 24903488 (cited by Labcorp Genetics (formerly Invitae), Labcorp); PubMed 25637600 (cited by Labcorp Genetics (formerly Invitae), Labcorp); PubMed 30682209 (cited by Labcorp Genetics (formerly Invitae), Labcorp and Victorian Clinical Genetics Services, Murdoch Childrens Research Institute); PubMed 24906859 (cited by Victorian Clinical Genetics Services, Murdoch Childrens Research Institute).